The following is an entry in ClinVar:

ClinVar aggregate classification (germline): Conflicting classifications of pathogenicity. Review status: criteria provided, conflicting classifications (1 of 4 stars). 3 submissions from 3 submitters: Uncertain significance (2); Likely benign (1). Last evaluated 2024-10-10.

Conditions:
Dilated cardiomyopathy 1AA (CMD1AA). Also called: CARDIOMYOPATHY, DILATED, 1AA, WITH OR WITHOUT LEFT VENTRICULAR NONCOMPACTION; CARDIOMYOPATHY, FAMILIAL HYPERTROPHIC, 23, WITH OR WITHOUT LEFT VENTRICULAR NONCOMPACTION; Cardiomyopathy, dilated, 1AA, with or without LVNC. Identifiers: Orphanet 154, MedGen C2677338, MONDO:0012808, OMIM 612158.
Primary familial hypertrophic cardiomyopathy (HCM). Identifiers: Orphanet 99739, MedGen C0949658, MeSH D024741, MONDO:0024573. Inheritance: Various modes of inheritance.
Left ventricular noncompaction 1 (LVNC1). Also called: LEFT VENTRICULAR NONCOMPACTION 1 WITH OR WITHOUT CONGENITAL HEART DEFECTS. Identifiers: Orphanet 54260, MedGen C1858725, MONDO:0011403, OMIM 604169.
Cardiovascular phenotype. Identifiers: MedGen CN230736.

Allele frequency attached by ClinVar (database versions not stated): TOPMed 0.00002.

Submissions (3):

Labcorp Genetics (formerly Invitae), Labcorp
Classification: Likely benign for Primary familial hypertrophic cardiomyopathy; Dilated cardiomyopathy 1AA. Last evaluated: 2024-10-10. Review status: criteria provided, single submitter. Criteria: Invitae Variant Classification Sherloc (09022015). Collection method: clinical testing. Allele origin: germline.

Ambry Genetics
Classification: Uncertain significance for Cardiovascular phenotype. Last evaluated: 2019-09-26. Review status: criteria provided, single submitter. Criteria: Ambry Variant Classification Scheme 2023. Collection method: clinical testing. Allele origin: germline.
Comment: The p.M542T variant (also known as c.1625T>C), located in coding exon 14 of the ACTN2 gene, results from a T to C substitution at nucleotide position 1625. The methionine at codon 542 is replaced by threonine, an amino acid with similar properties. This amino acid position is well conserved in available vertebrate species; however, threonine is the reference amino acid in other vertebrate species. In addition, the in silico prediction for this alteration is inconclusive. Since supporting evidence is limited at this time, the clinical significance of this alteration remains unclear.

Molecular Diagnostic Laboratory for Inherited Cardiovascular Disease, Montreal Heart Institute
Classification: Uncertain significance for Left ventricular noncompaction 1. Last evaluated: 2019-02-26. Review status: criteria provided, single submitter. Criteria: ACMG Guidelines, 2015. Collection method: clinical testing. Allele origin: germline. Affected: yes.

NM_001103.4(ACTN2):c.1625T>C (p.Met542Thr)

Gene: ACTN2 (actinin alpha 2; plus strand). Cytogenetic location: 1q43.
Variant type: single nucleotide variant.
Coding change: c.1625T>C on transcript NM_001103.4 (MANE Select); coding-DNA position 1625, T replaced by C.
Protein change: p.Met542Thr; replaces methionine 542 with threonine.
Molecular consequence: missense variant.
Genome position (GRCh38, 1-based): chr1:236,749,233, T>C. VCF-style: chr1-236749233-T-C. GRCh37 (hg19) VCF-style: chr1-236912533-T-C.
Other names: c.1625T>C, p.Met542Thr (NM_001278343.2); c.1001T>C, p.Met334Thr (NM_001278344.2); short protein forms M542T, M334T.
Identifiers: ClinVar variation 532043 (VCV000532043.13), dbSNP rs778713804, ClinGen allele CA39737459.